The following is an entry in ClinVar:

NM_001291867.2(NHS):c.4156A>T (p.Lys1386Ter)

Gene: NHS (NHS actin remodeling regulator; plus strand). Cytogenetic location: Xp22.13.
Variant type: single nucleotide variant.
Coding change: c.4156A>T on transcript NM_001291867.2 (MANE Select); coding-DNA position 4156, A replaced by T.
Protein change: p.Lys1386Ter; replaces lysine 1386 with a stop codon.
Molecular consequence: nonsense.
Genome position (GRCh38, 1-based): chrX:17,728,262, A>T. VCF-style: chrX-17728262-A-T. GRCh37 (hg19) VCF-style: chrX-17746382-A-T.
Other names: c.3625A>T, p.Lys1209Ter (NM_001136024.4); c.3562A>T, p.Lys1188Ter (NM_001291868.2); c.4093A>T, p.Lys1365Ter (NM_198270.4); short protein forms K1365*, K1386*, K1209*, K1188*.
Identifiers: ClinVar variation 463042 (VCV000463042.8), dbSNP rs1556039901, ClinGen allele CA412367586.
Genomic context (GRCh38, chrX:17,728,262, plus strand): 5'-GTAAATTCATTCCCTGAAAAATGTTCCAAGCAGGAAAATATTGCTTCAGGTATTTCAGCC[A>T]AAAGTGCCTCTGATAACAGCAAAGCAGAGGAGACCCAAGGAAATGTGGATGAGGCTTCAT-3'

ClinVar aggregate classification (germline): Pathogenic (1 of 4 stars; one submission).

Conditions:
Nance-Horan syndrome (NHS). Identifiers: Orphanet 627, MedGen C0796085, MONDO:0010545, OMIM 302350.

Submission:

Labcorp Genetics (formerly Invitae), Labcorp
Classification: Pathogenic for Nance-Horan syndrome. Last evaluated: 2016-12-13. Review status: criteria provided, single submitter. Criteria: Invitae Variant Classification Sherloc (09022015). Collection method: clinical testing. Allele origin: germline.
Comment: For these reasons, this variant has been classified as Pathogenic. While this particular variant has not been reported in the literature, loss-of-function variants in NHS are known to be pathogenic (PMID: 19414485, 14564667). This sequence change creates a premature translational stop signal at codon 1365 (p.Lys1365*) of the NHS gene. It is expected to result in an absent or disrupted protein product.

Literature cited by the submitters: PubMed 19414485; PubMed 14564667.